The following is an entry in ClinVar:

NM_177438.3(DICER1):c.2325G>C (p.Met775Ile)

Gene: DICER1 (dicer 1, ribonuclease III; minus strand). Cytogenetic location: 14q32.13.
Variant type: single nucleotide variant.
Coding change: c.2325G>C on transcript NM_177438.3 (MANE Select); coding-DNA position 2325, G replaced by C.
Protein change: p.Met775Ile; replaces methionine 775 with isoleucine.
Molecular consequence: missense variant.
Genome position (GRCh38, 1-based): chr14:95,108,435, C>G on the plus strand (G>C on the coding strand, the complement: DICER1 is on the minus strand). VCF-style: chr14-95108435-C-G. GRCh37 (hg19) VCF-style: chr14-95574772-C-G.
Other names: c.2325G>C, p.Met775Ile (NM_001195573.1, NM_001271282.3, NM_001291628.2 and 1 more transcripts); short protein forms M775I.
Identifiers: ClinVar variation 1429483 (VCV001429483.7), dbSNP rs1595382279, ClinGen allele CA390882289.

ClinVar aggregate classification (germline): Uncertain significance (1 of 4 stars; one submission).

Conditions:
DICER1-related tumor predisposition. Also called: DICER1-related pleuropulmonary blastoma cancer predisposition syndrome; DICER1 syndrome. Identifiers: Orphanet 284343, MedGen C3839822, MONDO:0100216.

Submission:

Labcorp Genetics (formerly Invitae), Labcorp
Classification: Uncertain significance for DICER1-related tumor predisposition. Last evaluated: 2021-12-01. Review status: criteria provided, single submitter. Criteria: Invitae Variant Classification Sherloc (09022015). Collection method: clinical testing. Allele origin: germline.
Comment: This sequence change replaces methionine, which is neutral and non-polar, with isoleucine, which is neutral and non-polar, at codon 775 of the DICER1 protein (p.Met775Ile). This variant is not present in population databases (gnomAD no frequency). This variant has not been reported in the literature in individuals affected with DICER1-related conditions. Algorithms developed to predict the effect of missense changes on protein structure and function are either unavailable or do not agree on the potential impact of this missense change (SIFT: "Tolerated"; PolyPhen-2: "Probably Damaging"; Align-GVGD: "Class C0"). In summary, the available evidence is currently insufficient to determine the role of this variant in disease. Therefore, it has been classified as a Variant of Uncertain Significance.